The following is an entry in ClinVar:

NM_006015.6(ARID1A):c.5863C>G (p.Leu1955Val)

Gene: ARID1A (AT-rich interaction domain 1A; plus strand). Cytogenetic location: 1p36.11.
Variant type: single nucleotide variant.
Coding change: c.5863C>G on transcript NM_006015.6 (MANE Select); coding-DNA position 5863, C replaced by G.
Protein change: p.Leu1955Val; replaces leucine 1955 with valine.
Molecular consequence: missense variant.
Genome position (GRCh38, 1-based): chr1:26,779,761, C>G. VCF-style: chr1-26779761-C-G. GRCh37 (hg19) VCF-style: chr1-27106252-C-G.
Other names: c.5212C>G, p.Leu1738Val (NM_139135.4); short protein forms L1738V, L1955V.
Identifiers: ClinVar variation 3632135 (VCV003632135.4).

ClinVar aggregate classification (germline): Conflicting classifications of pathogenicity. Review status: criteria provided, conflicting classifications (1 of 4 stars). 3 submissions from 3 submitters: Uncertain significance (2); Likely benign (1). Last evaluated 2025-07-02.

Conditions:
ARID1A-related disorder. Also called: ARID1A-related condition.

gnomAD v4.1: 2 of 1,614,154 alleles (0.00012%); no homozygotes.

Submissions (3):

PreventionGenetics, part of Exact Sciences
Classification: Uncertain significance for ARID1A-related condition. Last evaluated: 2025-07-02. Review status: criteria provided, single submitter. Criteria: ACMG Guidelines, 2015. Collection method: clinical testing. Allele origin: germline.
Comment: The ARID1A c.5863C>G variant is predicted to result in the amino acid substitution p.Leu1955Val. To our knowledge, this variant has not been reported in the literature or in a large population database (gnomAD), indicating this variant is rare. At this time, the clinical significance of this variant is uncertain due to the absence of conclusive functional and genetic evidence.

Labcorp Genetics (formerly Invitae), Labcorp
Classification: Uncertain significance. Last evaluated: 2024-03-03. Review status: criteria provided, single submitter. Criteria: Invitae Variant Classification Sherloc (09022015). Collection method: clinical testing. Allele origin: germline.
Comment: This sequence change replaces leucine, which is neutral and non-polar, with valine, which is neutral and non-polar, at codon 1955 of the ARID1A protein (p.Leu1955Val). This variant is not present in population databases (gnomAD no frequency). This variant has not been reported in the literature in individuals affected with ARID1A-related conditions. Advanced modeling of protein sequence and biophysical properties (such as structural, functional, and spatial information, amino acid conservation, physicochemical variation, residue mobility, and thermodynamic stability) performed at Invitae indicates that this missense variant is expected to disrupt ARID1A protein function with a positive predictive value of 80%. In summary, the available evidence is currently insufficient to determine the role of this variant in disease. Therefore, it has been classified as a Variant of Uncertain Significance.

Blueprint Genetics
Classification: Likely benign. Last evaluated: 2023-01-16. Review status: criteria provided, single submitter. Criteria: ACMG Guidelines, 2015. Collection method: clinical testing. Allele origin: germline.